The following is an entry in ClinVar:

NM_022124.6(CDH23):c.5629G>A (p.Asp1877Asn)

Gene: CDH23 (cadherin related 23; plus strand). Cytogenetic location: 10q22.1.
Variant type: single nucleotide variant.
Coding change: c.5629G>A on transcript NM_022124.6 (MANE Select); coding-DNA position 5629, G replaced by A.
Protein change: p.Asp1877Asn; replaces aspartic acid 1877 with asparagine.
Molecular consequence: missense variant.
Genome position (GRCh38, 1-based): chr10:71,785,017, G>A. VCF-style: chr10-71785017-G-A. GRCh37 (hg19) VCF-style: chr10-73544774-G-A.
Other names: short protein forms D1877N.
Identifiers: ClinVar variation 4803978 (VCV004803978.2).

ClinVar aggregate classification (germline): Uncertain significance. Review status: criteria provided, multiple submitters, no conflicts (2 of 4 stars). 2 submissions from 2 submitters: Uncertain significance (2). Last evaluated 2025-12-22.

gnomAD v4.1: 17 of 1,613,968 alleles (0.0011%); highest among the groups gnomAD compares: African/African-American, 0.0027%; no homozygotes.

Submissions (2):

Labcorp Genetics (formerly Invitae), Labcorp
Classification: Uncertain significance. Last evaluated: 2025-12-22. Review status: criteria provided, single submitter. Criteria: Invitae Variant Classification Sherloc (09022015). Collection method: clinical testing. Allele origin: germline.
Comment: This sequence change replaces aspartic acid, which is acidic and polar, with asparagine, which is neutral and polar, at codon 1877 of the CDH23 protein (p.Asp1877Asn). This variant is present in population databases (no rsID available, gnomAD 0.008%). This missense change has been observed in individual(s) with deafness (internal data). In at least one individual the data is consistent with being in trans (on the opposite chromosome) from a pathogenic variant. Invitae Evidence Modeling of protein sequence and biophysical properties (such as structural, functional, and spatial information, amino acid conservation, physicochemical variation, residue mobility, and thermodynamic stability) has been performed for this missense variant. However, the output from this modeling did not meet the statistical confidence thresholds required to predict the impact of this variant on CDH23 protein function. In summary, the available evidence is currently insufficient to determine the role of this variant in disease. Therefore, it has been classified as a Variant of Uncertain Significance.

Blueprint Genetics
Classification: Uncertain significance. Last evaluated: 2023-03-09. Review status: criteria provided, single submitter. Criteria: ACMG Guidelines, 2015. Collection method: clinical testing. Allele origin: germline.